The following is an entry in ClinVar:

ClinVar aggregate classification (germline): Benign. Review status: criteria provided, multiple submitters, no conflicts (2 of 4 stars). 3 submissions from 3 submitters: Benign (3). Last evaluated 2021-07-14.

Conditions:
Geleophysic dysplasia 1 (GPHYSD1). Also called: Geleophysic dwarfism. Identifiers: Orphanet 2623, MedGen C3278147, MONDO:0009269, OMIM 231050.

Allele frequency attached by ClinVar (database versions not stated): TOPMed 0.34410; gnomAD 0.34898 and 0.35299; 1000 Genomes Project 0.36002; 1000 Genomes Project 30x 0.36368; gnomAD exomes 0.38795.
gnomAD v4.1: 304,270 of 797,422 alleles (38%); highest among the groups gnomAD compares: East Asian, 47%; 59,177 homozygotes.

Submissions (3):

Genome-Nilou Lab
Classification: Benign for Geleophysic dysplasia 1. Last evaluated: 2021-07-14. Review status: criteria provided, single submitter. Criteria: ACMG Guidelines, 2015. Collection method: clinical testing. Allele origin: germline. Affected: no.

GeneDx
Classification: Benign. Last evaluated: 2018-06-19. Review status: criteria provided, single submitter. Criteria: GeneDx Variant Classification (06012015). Collection method: clinical testing. Allele origin: germline. Affected: yes.
Comment: This variant is considered likely benign or benign based on one or more of the following criteria: it is a conservative change, it occurs at a poorly conserved position in the protein, it is predicted to be benign by multiple in silico algorithms, and/or has population frequency not consistent with disease.

Breakthrough Genomics
Classification: Benign. Review status: criteria provided, single submitter. Criteria: ACMG Guidelines, 2015. Collection method: not provided. Allele origin: germline. Inheritance: Autosomal recessive inheritance. Affected: yes.

NM_014694.4(ADAMTSL2):c.683-135A>G

Gene: ADAMTSL2 (ADAMTS like 2; plus strand). Cytogenetic location: 9q34.2.
Variant type: single nucleotide variant.
Coding change: c.683-135A>G on transcript NM_014694.4 (MANE Select); 135 bases into the intron before coding-DNA position 683, A replaced by G.
Molecular consequence: intron variant.
Genome position (GRCh38, 1-based): chr9:133,544,335, A>G. VCF-style: chr9-133544335-A-G. GRCh37 (hg19) VCF-style: chr9-136409457-A-G.
Other names: c.683-135A>G (NM_001145320.2).
Identifiers: ClinVar variation 680519 (VCV000680519.5), dbSNP rs9802736, ClinGen allele CA12974264.